The following is an entry in ClinVar:

ClinVar aggregate classification (germline): Pathogenic (1 of 4 stars; one submission).

Conditions:
DDX41-related hematologic malignancy predisposition syndrome. Also called: DDX41-Associated Familial Myelodysplastic Syndrome and Acute Myeloid Leukemia; Myeloproliferative/lymphoproliferative neoplasms, familial (multiple types), susceptibility to. Identifiers: Orphanet 488647, MedGen C4225174, MONDO:0014809, OMIM 616871.

Submission:

Saint-Louis Hospital, Assistance Publique Hôpitaux de Paris
Classification: Pathogenic for DDX41-related hematologic malignancy predisposition syndrome. Last evaluated: 2025-05-13. Review status: criteria provided, single submitter. Criteria: ACMG Guidelines, 2015. Collection method: clinical testing. Allele origin: germline. Affected: yes.
Comment: The DDX41 (NM_016222.4):c.1621_1621+10del variant is predicted to induce splice junction loss. Loss-of-function variants in DDX41 are known to be pathogenic (PMID: 26712909, 27133828). It is absent from control population database. Here, it is associated with a second (somatic) DDX41 mutation in bone marrow, which is a classical route of clonal evolution in DDX41-myeloid malignancies predisposition(Duployez et al, 2022, PMID: 35443031).

Literature cited by the submitters: PubMed 26712909; PubMed 27133828; PubMed 35443031.

NM_016222.4(DDX41):c.1621_1621+10del

Gene: DDX41 (DEAD-box helicase 41; minus strand). Cytogenetic location: 5q35.3.
Variant type: Deletion.
Coding change: c.1621_1621+10del on transcript NM_016222.4 (MANE Select); coding-DNA position 1621 through 10 bases into the intron after coding-DNA position 1621, 11 bases deleted (GGTGAGTCTGT).
Molecular consequence: splice donor variant.
Genome position (GRCh38, 1-based): chr5:177,512,312-177,512,322, ACAGACTCACC deleted on the plus strand (GGTGAGTCTGT on the coding strand, the reverse complement: DDX41 is on the minus strand); deleting any 11 consecutive bases within chr5:177,512,312-177,512,325 gives the same sequence; the c. name uses the placement nearest the transcript's 3' end. VCF-style (leftmost placement, unchanged base first): chr5-177512311-AACAGACTCACC-A. GRCh37 (hg19) VCF-style: chr5-176939312-AACAGACTCACC-A.
Other names: c.1243_1243+10del (NM_001321830.2, NM_001321732.2).
Identifiers: ClinVar variation 3899311 (VCV003899311.1).